The following is an entry in ClinVar:

ClinVar aggregate classification (germline): Uncertain significance (1 of 4 stars; one submission).

Submission:

Labcorp Genetics (formerly Invitae), Labcorp
Classification: Uncertain significance. Last evaluated: 2023-10-05. Review status: criteria provided, single submitter. Criteria: Invitae Variant Classification Sherloc (09022015). Collection method: clinical testing. Allele origin: germline.
Comment: This sequence change replaces proline, which is neutral and non-polar, with leucine, which is neutral and non-polar, at codon 1567 of the MAST1 protein (p.Pro1567Leu). This variant is not present in population databases (gnomAD no frequency). This variant has not been reported in the literature in individuals affected with MAST1-related conditions. An algorithm developed to predict the effect of missense changes on protein structure and function (PolyPhen-2) suggests that this variant is likely to be tolerated. In summary, the available evidence is currently insufficient to determine the role of this variant in disease. Therefore, it has been classified as a Variant of Uncertain Significance.

NM_014975.3(MAST1):c.4700C>T (p.Pro1567Leu)

Gene: MAST1 (microtubule associated serine/threonine kinase 1; plus strand). Cytogenetic location: 19p13.13.
Variant type: single nucleotide variant.
Coding change: c.4700C>T on transcript NM_014975.3 (MANE Select); coding-DNA position 4700, C replaced by T.
Protein change: p.Pro1567Leu; replaces proline 1567 with leucine.
Molecular consequence: missense variant.
Genome position (GRCh38, 1-based): chr19:12,874,857, C>T. VCF-style: chr19-12874857-C-T. GRCh37 (hg19) VCF-style: chr19-12985671-C-T.
Other names: short protein forms P1567L.
Identifiers: ClinVar variation 2766096 (VCV002766096.3), dbSNP rs2512546360, ClinGen allele CA404293314.